The following is an entry in ClinVar:

NM_000038.6(APC):c.7550A>G (p.Tyr2517Cys)

Gene: APC (APC regulator of Wnt signaling pathway; plus strand). Cytogenetic location: 5q22.2.
Variant type: single nucleotide variant.
Coding change: c.7550A>G on transcript NM_000038.6 (MANE Select); coding-DNA position 7550, A replaced by G.
Protein change: p.Tyr2517Cys; replaces tyrosine 2517 with cysteine.
Molecular consequence: missense variant.
Genome position (GRCh38, 1-based): chr5:112,843,144, A>G. VCF-style: chr5-112843144-A-G. GRCh37 (hg19) VCF-style: chr5-112178841-A-G.
Other names: c.7550A>G, p.Tyr2517Cys (NM_001127510.3, NM_001354895.2); c.7496A>G, p.Tyr2499Cys (NM_001127511.3); c.7604A>G, p.Tyr2535Cys (NM_001354896.2); c.7580A>G, p.Tyr2527Cys (NM_001354897.2); c.7475A>G, p.Tyr2492Cys (NM_001354898.2); c.7466A>G, p.Tyr2489Cys (NM_001354899.2); c.7427A>G, p.Tyr2476Cys (NM_001354900.2); c.7373A>G, p.Tyr2458Cys (NM_001354901.2); and 5 more; short protein forms Y2499C, Y2517C, Y2357C, Y2458C, Y2535C, Y2416C, Y2492C, Y2426C.
Identifiers: ClinVar variation 156483 (VCV000156483.39), dbSNP rs587783036, ClinGen allele CA013809.

ClinVar aggregate classification (germline): Conflicting classifications of pathogenicity. Review status: criteria provided, conflicting classifications (1 of 4 stars). 14 submissions from 14 submitters: Uncertain significance (9); Likely benign (4). 1 of the submissions does not count toward it. Last evaluated 2026-08-06.

Conditions:
Classic or attenuated familial adenomatous polyposis. Identifiers: MedGen CN372698, MONDO:0021057.
APC-related disorder. Also called: APC-related condition.
Hereditary cancer. Identifiers: MedGen C1333600.
Hereditary cancer-predisposing syndrome. Also called: Tumor predisposition; Neoplastic Syndromes, Hereditary; Hereditary neoplastic syndrome; Hereditary Cancer Syndrome. Identifiers: Orphanet 140162, MedGen C0027672, MeSH D009386, MONDO:0015356.
Familial adenomatous polyposis 1 (FAP1). Also called: FAMILIAL ADENOMATOUS POLYPOSIS 1, ATTENUATED; POLYPOSIS, ADENOMATOUS INTESTINAL. Identifiers: MedGen C2713442, MONDO:0021056, OMIM 175100. Disease mechanism: loss of function.

Allele frequency attached by ClinVar (database versions not stated): gnomAD exomes 0.00001 and 0.00002; gnomAD 0.00002; TOPMed 0.00004.
gnomAD v4.1: 12 of 1,613,898 alleles (0.00074%); highest among the groups gnomAD compares: Admixed American, 0.013%; no homozygotes.

Submissions (14):

PreventionGenetics, part of Exact Sciences
Classification: Uncertain significance for APC-related condition. Last evaluated: 2026-08-06. Review status: criteria provided, single submitter. Criteria: ACMG Guidelines, 2015. Collection method: clinical testing. Allele origin: germline.
Comment: The APC c.7550A>G variant is predicted to result in the amino acid substitution p.Tyr2517Cys. This variant was reported as a variant of uncertain significance in an individual with pediatric cancer (Table S4a. Zhang et al. 2015. PubMed ID: 26580448) and in an individual with breast cancer (Table S4. Sandoval et al. 2021. PubMed ID: 33606809). This variant is reported in 0.012% of alleles in individuals of Latino descent in gnomAD and has conflicting interpretation of pathogenicity in ClinVar ranging from likely benign to uncertain (Variation ID: 156483). Although we suspect that this variant may be benign, at this time, the clinical significance of this variant is uncertain due to the absence of conclusive functional and genetic evidence.

Labcorp Genetics (formerly Invitae), Labcorp
Classification: Uncertain significance for Familial adenomatous polyposis 1. Last evaluated: 2025-11-23. Review status: criteria provided, single submitter. Criteria: Invitae Variant Classification Sherloc (09022015). Collection method: clinical testing. Allele origin: germline.
Comment: This sequence change replaces tyrosine, which is neutral and polar, with cysteine, which is neutral and slightly polar, at codon 2517 of the APC protein (p.Tyr2517Cys). This variant is present in population databases (rs587783036, gnomAD 0.01%). This variant has not been reported in the literature in individuals affected with APC-related conditions. ClinVar contains an entry for this variant (Variation ID: 156483). Invitae Evidence Modeling of protein sequence and biophysical properties (such as structural, functional, and spatial information, amino acid conservation, physicochemical variation, residue mobility, and thermodynamic stability) indicates that this missense variant is not expected to disrupt APC protein function with a negative predictive value of 95%. In summary, the available evidence is currently insufficient to determine the role of this variant in disease. Therefore, it has been classified as a Variant of Uncertain Significance.

Women's Health and Genetics/Laboratory Corporation of America, LabCorp
Classification: Uncertain significance. Last evaluated: 2025-07-07. Review status: criteria provided, single submitter. Criteria: LabCorp Variant Classification Summary - May 2015. Collection method: clinical testing. Allele origin: germline.
Comment: Variant summary: APC c.7550A>G (p.Tyr2517Cys) results in a non-conservative amino acid change in the encoded protein sequence. Algorithms developed to predict the effect of missense changes on protein structure and function all suggest that this variant is likely to be disruptive. The variant allele was found at a frequency of 1.6e-05 in 251038 control chromosomes. The available data on variant occurrences in the general population are insufficient to allow any conclusion about variant significance. To our knowledge, no occurrence of c.7550A>G in individuals affected with Familial Adenomatous Polyposis and no experimental evidence demonstrating its impact on protein function have been reported. ClinVar contains an entry for this variant (Variation ID: 156483). Based on the evidence outlined above, the variant was classified as uncertain significance.

Color Diagnostics, LLC DBA Color Health
Classification: Likely benign for Hereditary cancer-predisposing syndrome. Last evaluated: 2025-01-28. Review status: criteria provided, single submitter. Criteria: ACMG Guidelines, 2015. Collection method: clinical testing. Allele origin: germline.

Molecular Diagnostics Laboratory, Catalan Institute of Oncology
Classification: Likely benign for Hereditary cancer-predisposing syndrome. Last evaluated: 2024-11-17. Review status: criteria provided, single submitter. Criteria: ClinGen ACMG Specifications APC V1.0.0. Collection method: clinical testing. Allele origin: germline.
Comment: BP1, BS1 c.7550A>G, located in exon 16 of the APC gene, is predicted to result in the substitution of tyrosine by cysteine at codon 2517, p.(Tyr2517Cys)(BP1). This variant is found in 4/34246 at a filtering allele frequency of 0.004% in the gnomAD v2.1.1 database latino non-cancer data set (BS1). The SpliceAI algorithm predicts no significant impact on splicing. The REVEL meta-predictor score for this variant (0.476) is indeterminate regarding the effect that it may have on protein function according Pejaver 2022 thresholds (PMID: 36413997). In addition, the variant was also identified in the ClinVar database (8x uncertain significance, 2x likely benign) and in LOVD database (1x uncertain significance). Based on currently available information, the variant c.7550A>G is classified as a likely benign variant according to ClinGen-APC Guidelines version v1.

Quest Diagnostics Nichols Institute San Juan Capistrano
Classification: Uncertain significance. Last evaluated: 2024-05-16. Review status: criteria provided, single submitter. Criteria: Quest Diagnostics criteria. Collection method: clinical testing. Allele origin: unknown.
Comment: The APC c.7550A>G (p.Tyr2517Cys) variant has been reported in the published literature in an individual with breast cancer (PMID: 33606809 (2021)), as well as in an infant with acute lymphoblastic leukemia (PMIDs: 30102335 (2019) and 26580448 (2015)). The frequency of this variant in the general population, 0.00012 (4/34578 chromosomes in Admixed American subpopulation (Genome Aggregation Database)), is higher than would generally be expected for pathogenic variants in this gene. Analysis of this variant using bioinformatics tools for the prediction of the effect of amino acid changes on protein structure and function yielded conflicting predictions that this variant is benign or damaging. Based on the available information, we are unable to determine the clinical significance of this variant.

All of Us Research Program, National Institutes of Health
Classification: Uncertain significance for Classic or attenuated familial adenomatous polyposis. Last evaluated: 2024-03-05. Review status: criteria provided, single submitter. Criteria: ACMG Guidelines, 2015. Collection method: clinical testing. Allele origin: germline. Inheritance: Autosomal dominant inheritance. Observed: 2 variant alleles, 2 heterozygotes.
Comment: This missense variant replaces tyrosine with cysteine at codon 2517 of the APC protein. Computational prediction suggests that this variant may not impact protein structure and function (internally defined REVEL score threshold <= 0.5, PMID: 27666373). To our knowledge, functional studies have not been reported for this variant. This variant has not been reported in individuals affected with familial polyposis syndrome in the literature. This variant has been identified in 4/251038 chromosomes in the general population by the Genome Aggregation Database (gnomAD). The available evidence is insufficient to determine the role of this variant in disease conclusively. Therefore, this variant is classified as a Variant of Uncertain Significance.

This study involves interpretation of variants in research participants for the purpose of population health screening. Participant phenotype was not available at the time of variant classification. Additional details can be found in publication PMID: 35346344, PMCID: PMC8962531

Mendelics
Classification: Likely benign for Hereditary cancer. Last evaluated: 2024-01-23. Review status: criteria provided, single submitter. Criteria: ACMG Guidelines, 2015. Collection method: clinical testing. Allele origin: unknown.

GeneDx
Classification: Uncertain significance. Last evaluated: 2024-01-03. Review status: criteria provided, single submitter. Criteria: GeneDx Variant Classification Process June 2021. Collection method: clinical testing. Allele origin: germline. Affected: yes.
Comment: Not observed at significant frequency in large population cohorts (gnomAD); In silico analysis supports that this missense variant does not alter protein structure/function; Observed in individuals with breast cancer or leukemia (PMID: 33606809, 30102335, 26580448); This variant is associated with the following publications: (PMID: 30102335, 33606809, 26580448)

Baylor Genetics
Classification: Uncertain significance for Familial adenomatous polyposis 1. Last evaluated: 2023-10-11. Review status: criteria provided, single submitter. Criteria: ACMG Guidelines, 2015. Collection method: clinical testing. Allele origin: unknown.

Ambry Genetics
Classification: Likely benign for Hereditary cancer-predisposing syndrome. Last evaluated: 2023-05-26. Review status: criteria provided, single submitter. Criteria: Ambry Variant Classification Scheme 2023. Collection method: clinical testing. Allele origin: germline.

Blueprint Genetics
Classification: Uncertain significance. Last evaluated: 2022-10-08. Review status: criteria provided, single submitter. Criteria: ACMG Guidelines, 2015. Collection method: clinical testing. Allele origin: germline.

Sema4
Classification: Uncertain significance for Hereditary cancer-predisposing syndrome. Last evaluated: 2022-02-21. Review status: criteria provided, single submitter. Criteria: Sema4 Curation Guidelines. Collection method: curation. Allele origin: germline.
Comment: The APC c.7550A>G (p.Y2517C) variant has been reported in heterozygosity in at least two individuals with acute lymphoblastic leukemia and breast cancer (PMID: 30102335, 33606809). It was observed in 4/34578 chromosomes in the Latino population according to the Genome Aggregation Database (PMID: 32461654). This variant has been reported in ClinVar (Variation ID: 156483). Functional studies have not been performed, and in silico predictions of the variant's effect on protein function are inconclusive. The evidence is insufficient to meet ACMG/AMP criteria for classifying the variant as benign or pathogenic. Thus, the clinical significance of this variant is currently uncertain.

Pathway Genomics
Classification: Uncertain significance for Adenomatous polyposis coli. Last evaluated: 2014-07-24. Review status: no assertion criteria provided. Collection method: clinical testing. Allele origin: germline. Not counted in ClinVar's aggregate classification.

Literature cited by the submitters: PubMed 33606809 (cited by Quest Diagnostics Nichols Institute San Juan Capistrano and Sema4); PubMed 30102335 (cited by Quest Diagnostics Nichols Institute San Juan Capistrano and Sema4); PubMed 26580448 (cited by Quest Diagnostics Nichols Institute San Juan Capistrano and Ambry Genetics).